The following is an entry in ClinVar:

ClinVar aggregate classification (germline): Uncertain significance (1 of 4 stars; one submission).

Conditions:
Metachromatic leukodystrophy (MLD). Also called: METACHROMATIC LEUKOENCEPHALOPATHY; SULFATIDE LIPIDOSIS; ARSA DEFICIENCY; CEREBROSIDE SULFATASE DEFICIENCY; Arylsulfatase A Deficiency; Cerebral sclerosis diffuse metachromatic form. Identifiers: Orphanet 512, MedGen C0023522, MONDO:0018868, OMIM 250100.

gnomAD v4.1: 3 of 1,613,094 alleles (0.00019%); highest among the groups gnomAD compares: Non-Finnish European, 0.00025%; no homozygotes.

Submission:

Labcorp Genetics (formerly Invitae), Labcorp
Classification: Uncertain significance for Metachromatic leukodystrophy. Last evaluated: 2025-03-17. Review status: criteria provided, single submitter. Criteria: Invitae Variant Classification Sherloc (09022015). Collection method: clinical testing. Allele origin: germline.
Comment: This sequence change replaces glutamic acid, which is acidic and polar, with glutamine, which is neutral and polar, at codon 190 of the ARSA protein (p.Glu190Gln). This variant is not present in population databases (gnomAD no frequency). This variant has not been reported in the literature in individuals affected with ARSA-related conditions. ClinVar contains an entry for this variant (Variation ID: 2197734). Invitae Evidence Modeling of protein sequence and biophysical properties (such as structural, functional, and spatial information, amino acid conservation, physicochemical variation, residue mobility, and thermodynamic stability) has been performed for this missense variant. However, the output from this modeling did not meet the statistical confidence thresholds required to predict the impact of this variant on ARSA protein function. Algorithms developed to predict the effect of sequence changes on RNA splicing suggest that this variant may create or strengthen a splice site. In summary, the available evidence is currently insufficient to determine the role of this variant in disease. Therefore, it has been classified as a Variant of Uncertain Significance.

NM_000487.6(ARSA):c.568G>C (p.Glu190Gln)

Gene: ARSA (arylsulfatase A; minus strand). Cytogenetic location: 22q13.33.
Variant type: single nucleotide variant.
Coding change: c.568G>C on transcript NM_000487.6 (MANE Select); coding-DNA position 568, G replaced by C.
Protein change: p.Glu190Gln; replaces glutamic acid 190 with glutamine.
Molecular consequence: missense variant.
Genome position (GRCh38, 1-based): chr22:50,626,950, C>G on the plus strand (G>C on the coding strand, the complement: ARSA is on the minus strand). VCF-style: chr22-50626950-C-G. GRCh37 (hg19) VCF-style: chr22-51065378-C-G.
Other names: c.568G>C, p.Glu190Gln (NM_001085425.3, NM_001085426.3, NM_001085427.3); c.310G>C, p.Glu104Gln (NM_001085428.3, NM_001362782.2); short protein forms E104Q, E190Q.
Identifiers: ClinVar variation 2197734 (VCV002197734.4), dbSNP rs1248905311, ClinGen allele CA412177504.